The following is an entry in ClinVar:

ClinVar aggregate classification (germline): Likely benign. Review status: criteria provided, multiple submitters, no conflicts (2 of 4 stars). 2 submissions from 2 submitters: Likely benign (2). Last evaluated 2025-04-30.

Conditions:
Dilated cardiomyopathy 1O (CMD1O). Also called: CARDIOMYOPATHY, DILATED, WITH VENTRICULAR TACHYCARDIA. Identifiers: Orphanet 154, MedGen C1837839, MONDO:0012062, OMIM 608569.

Allele frequency attached by ClinVar (database versions not stated): ExAC 0.00001; gnomAD exomes 0.00001.
gnomAD v4.1: 13 of 1,612,548 alleles (0.00081%); highest among the groups gnomAD compares: Non-Finnish European, 0.0011%; no homozygotes.

Submissions (2):

Labcorp Genetics (formerly Invitae), Labcorp
Classification: Likely benign for Dilated cardiomyopathy 1O. Last evaluated: 2025-04-30. Review status: criteria provided, single submitter. Criteria: Invitae Variant Classification Sherloc (09022015). Collection method: clinical testing. Allele origin: germline.

GeneDx
Classification: Likely benign. Last evaluated: 2017-08-30. Review status: criteria provided, single submitter. Criteria: GeneDx Variant Classification (06012015). Collection method: clinical testing. Allele origin: germline. Affected: yes.
Comment: This variant is considered likely benign or benign based on one or more of the following criteria: it is a conservative change, it occurs at a poorly conserved position in the protein, it is predicted to be benign by multiple in silico algorithms, and/or has population frequency not consistent with disease.

NM_020297.4(ABCC9):c.1425A>G (p.Thr475=)

Gene: ABCC9 (ATP binding cassette subfamily C member 9; minus strand). Cytogenetic location: 12p12.1.
Variant type: single nucleotide variant.
Coding change: c.1425A>G on transcript NM_020297.4 (MANE Select); coding-DNA position 1425, A replaced by G.
Protein change: p.Thr475=; no amino-acid change (threonine 475 retained).
Molecular consequence: synonymous variant.
Genome position (GRCh38, 1-based): chr12:21,908,107, T>C on the plus strand (A>G on the coding strand, the complement: ABCC9 is on the minus strand). VCF-style: chr12-21908107-T-C. GRCh37 (hg19) VCF-style: chr12-22061041-T-C.
Other names: c.1425A>G, p.Thr475= (NM_001377273.1, NM_005691.4); c.561A>G, p.Thr187= (NM_001377274.1).
Identifiers: ClinVar variation 511767 (VCV000511767.9), dbSNP rs772284924, ClinGen allele CA6481662.